The following is an entry in ClinVar:

ClinVar aggregate classification (germline): Benign. Review status: criteria provided, multiple submitters, no conflicts (2 of 4 stars). 6 submissions from 6 submitters: Benign (5). 1 of the submissions does not count toward it. Last evaluated 2022-05-06.

Conditions:
Peroxisome biogenesis disorder 6A (Zellweger). Also called: Peroxisome biogenesis disorder 6A. Identifiers: Orphanet 912, MedGen C3553947, MONDO:0013936, OMIM 614870.

Allele frequency attached by ClinVar (database versions not stated): gnomAD exomes 0.02806; gnomAD 0.03563 and 0.03427; 1000 Genomes Project 30x 0.06012; TOPMed 0.03574; 1000 Genomes Project 0.06170; ESP Exome Variant Server 0.03445.
gnomAD v4.1: 44,664 of 1,594,616 alleles (2.8%); highest among the groups gnomAD compares: South Asian, 7.3%; 908 homozygotes.

Submissions (6):

Women's Health and Genetics/Laboratory Corporation of America, LabCorp
Classification: Benign. Last evaluated: 2022-05-06. Review status: criteria provided, single submitter. Criteria: LabCorp Variant Classification Summary - May 2015. Collection method: clinical testing. Allele origin: germline.

GeneDx
Classification: Benign. Last evaluated: 2019-02-18. Review status: criteria provided, single submitter. Criteria: GeneDx Variant Classification Process June 2021. Collection method: clinical testing. Allele origin: germline. Affected: yes.

Illumina Laboratory Services, Illumina
Classification: Benign for Peroxisome biogenesis disorder 6A (Zellweger). Last evaluated: 2018-01-13. Review status: criteria provided, single submitter. Criteria: ICSL Variant Classification Criteria 13 December 2019. Collection method: clinical testing. Allele origin: germline.
Comment: This variant was observed in the ICSL laboratory as part of a predisposition screen in an ostensibly healthy population. It had not been previously curated by ICSL or reported in the Human Gene Mutation Database (HGMD: prior to June 1st, 2018), and was therefore a candidate for classification through an automated scoring system. Utilizing variant allele frequency, disease prevalence and penetrance estimates, and inheritance mode, an automated score was calculated to assess if this variant is too frequent to cause the disease. Based on the score and internal cut-off values, a variant classified as benign is not then subjected to further curation. The score for this variant resulted in a classification of benign for this disease.

Breakthrough Genomics
Classification: Benign. Review status: criteria provided, single submitter. Criteria: ACMG Guidelines, 2015. Collection method: not provided. Allele origin: germline. Inheritance: Autosomal recessive inheritance. Affected: yes.

PreventionGenetics, part of Exact Sciences
Classification: Benign. Review status: criteria provided, single submitter. Criteria: ACMG Guidelines, 2015. Collection method: clinical testing. Allele origin: germline.

Mayo Clinic Laboratories, Mayo Clinic
Classification: Benign. Last evaluated: 2017-09-27. Review status: no assertion criteria provided. Collection method: clinical testing. Allele origin: unknown. Not counted in ClinVar's aggregate classification.

NM_002617.4(PEX10):c.*11G>A

Gene: PEX10 (peroxisomal biogenesis factor 10; minus strand). Cytogenetic location: 1p36.32.
Variant type: single nucleotide variant.
Coding change: c.*11G>A on transcript NM_002617.4 (MANE Select); 11 bases downstream of the stop codon, G replaced by A.
Molecular consequence: 3 prime UTR variant. On other transcripts: non-coding transcript variant (1).
Genome position (GRCh38, 1-based): chr1:2,405,755, C>T on the plus strand (G>A on the coding strand, the complement: PEX10 is on the minus strand). VCF-style: chr1-2405755-C-T. GRCh37 (hg19) VCF-style: chr1-2337194-C-T.
Other names: c.*11G>A (NM_001374425.1, NM_001374426.1, NM_001374427.1 and 1 more transcripts).
Identifiers: ClinVar variation 262787 (VCV000262787.15), dbSNP rs3795270, ClinGen allele CA537931.